The following is an entry in ClinVar:

NM_207361.6(FREM2):c.5768-17A>G

Gene: FREM2 (FRAS1 related extracellular matrix 2; plus strand). Cytogenetic location: 13q13.3.
Variant type: single nucleotide variant.
Coding change: c.5768-17A>G on transcript NM_207361.6 (MANE Select); 17 bases into the intron before coding-DNA position 5768, A replaced by G.
Molecular consequence: intron variant.
Genome position (GRCh38, 1-based): chr13:38,784,540, A>G. VCF-style: chr13-38784540-A-G. GRCh37 (hg19) VCF-style: chr13-39358677-A-G.
Identifiers: ClinVar variation 1192244 (VCV001192244.1), dbSNP rs2137831378, ClinGen allele CA2499222407.
Genomic context (GRCh38, chr13:38,784,540, plus strand): 5'-TATGAAAATAATTGTGTCTGGAAATATCTTTGTCTTATGTTCTACATAAAAATCTTTTGA[A>G]TTCTCTCTGCTTCCAGGAACAGCAACTGGAACTGTGCCGACTTCCGTGTTGTCTTACTCT-3'

ClinVar aggregate classification (germline): Uncertain significance (1 of 4 stars; one submission).

gnomAD v4.1: 1 of 1,613,868 alleles (0.000062%); no homozygotes.

Submission:

Women's Health and Genetics/Laboratory Corporation of America, LabCorp
Classification: Uncertain significance. Last evaluated: 2021-07-20. Review status: criteria provided, single submitter. Criteria: LabCorp Variant Classification Summary - May 2015. Collection method: clinical testing. Allele origin: germline.
Comment: Variant summary: FREM2 c.5768-17A>G alters a non-conserved nucleotide located close to a canonical splice site and therefore could affect mRNA splicing, leading to a significantly altered protein sequence. 4/4 computational tools predict no significant impact on normal splicing. However, these predictions have yet to be confirmed by functional studies. The variant was absent in 251000 control chromosomes (gnomAD). The available data on variant occurrences in the general population are insufficient to allow any conclusion about variant significance. To our knowledge, no occurrence of c.5768-17A>G in individuals affected with Cryptophthalmos Syndrome and no experimental evidence demonstrating its impact on protein function have been reported. No clinical diagnostic laboratories have submitted clinical-significance assessments for this variant to ClinVar after 2014. Based on the evidence outlined above, the variant was classified as uncertain significance.